The following is an entry in ClinVar:

NM_001035.3(RYR2):c.2399T>C (p.Val800Ala)

Gene: RYR2 (ryanodine receptor 2; plus strand). Cytogenetic location: 1q43.
Variant type: single nucleotide variant.
Coding change: c.2399T>C on transcript NM_001035.3 (MANE Select); coding-DNA position 2399, T replaced by C.
Protein change: p.Val800Ala; replaces valine 800 with alanine.
Molecular consequence: missense variant.
Genome position (GRCh38, 1-based): chr1:237,503,291, T>C. VCF-style: chr1-237503291-T-C. GRCh37 (hg19) VCF-style: chr1-237666591-T-C.
Other names: p.V800A:GTA>GCA; c.2399T>C, p.Val800Ala (LRG_402t1); short protein forms V800A.
Identifiers: ClinVar variation 201229 (VCV000201229.19), dbSNP rs794728730, ClinGen allele CA008824.
Genomic context (GRCh38, chr1:237,503,291, plus strand): 5'-TTAGAAAACTTTAATGTACACCAGAGATAAAATTGACTCTAACGTGCATCCTCTTTAGAG[T>C]ACGCTTTCTGCTTGGAGGGCGACATGGAGAATTCAAATTTCTTCCTCCACCTGGGTATGC-3'
Protein context (NP_001026.2, residues 790-810): PVVSFSAGIK[Val800Ala]RFLLGGRHGE

ClinVar aggregate classification (germline): Uncertain significance. Review status: criteria provided, multiple submitters, no conflicts (2 of 4 stars). 5 submissions from 5 submitters: Uncertain significance (5). Last evaluated 2025-07-14.

Conditions:
Cardiovascular phenotype. Identifiers: MedGen CN230736.
Catecholaminergic polymorphic ventricular tachycardia (CVPT). Also called: Catecholamine-induced polymorphic ventricular tachycardia. Identifiers: Orphanet 3286, MedGen C5574922, MONDO:0017990.
Cardiomyopathy (CMYO). Also called: Cardiomyopathies. Identifiers: Orphanet 167848, MedGen C0878544, MONDO:0004994, HP:0001638. Inheritance: Various modes of inheritance.
Catecholaminergic polymorphic ventricular tachycardia 1. Also called: RYR2-Related Catecholaminergic Polymorphic Ventricular Tachycardia; VENTRICULAR TACHYCARDIA, CATECHOLAMINERGIC POLYMORPHIC, 1, WITH OR WITHOUT ATRIAL DYSFUNCTION AND/OR DILATED CARDIOMYOPATHY; VENTRICULAR TACHYCARDIA, STRESS-INDUCED POLYMORPHIC 1. Identifiers: Orphanet 3286, MedGen C1631597, MONDO:0011484, OMIM 604772.

Allele frequency attached by ClinVar (database versions not stated): gnomAD exomes 0.00002 and below 0.00001; TOPMed 0.00003.
gnomAD v4.1: 25 of 1,601,996 alleles (0.0016%); highest among the groups gnomAD compares: Non-Finnish European, 0.002%; no homozygotes.

Submissions (5):

Color Diagnostics, LLC DBA Color Health
Classification: Uncertain significance for Cardiomyopathy. Last evaluated: 2025-07-14. Review status: criteria provided, single submitter. Criteria: ACMG Guidelines, 2015. Collection method: clinical testing. Allele origin: germline.
Comment: This missense variant replaces valine with alanine at codon 800 of the RYR2 protein. Computational prediction suggests that this variant may not impact protein structure and function. To our knowledge, functional studies have not been reported for this variant. This variant has not been reported in individuals affected with RYR2-related disorders in the literature. This variant has been identified in 1/229038 chromosomes in the general population by the Genome Aggregation Database (gnomAD). The available evidence is insufficient to determine the role of this variant in disease conclusively. Therefore, this variant is classified as a Variant of Uncertain Significance.

Ambry Genetics
Classification: Uncertain significance for Cardiovascular phenotype. Last evaluated: 2024-11-05. Review status: criteria provided, single submitter. Criteria: Ambry Variant Classification Scheme 2023. Collection method: clinical testing. Allele origin: germline.
Comment: The p.V800A variant (also known as c.2399T>C), located in coding exon 22 of the RYR2 gene, results from a T to C substitution at nucleotide position 2399. The valine at codon 800 is replaced by alanine, an amino acid with similar properties. This variant has been reported in an exome sequencing cohort (Landstrom AP et al. Circ Arrhythm Electrophysiol, 2017 Apr;10:). This amino acid position is well conserved in available vertebrate species. In addition, the in silico prediction for this alteration is inconclusive. Based on the available evidence, the clinical significance of this variant remains unclear.

All of Us Research Program, National Institutes of Health
Classification: Uncertain significance for Catecholaminergic polymorphic ventricular tachycardia. Last evaluated: 2023-08-28. Review status: criteria provided, single submitter. Criteria: ACMG Guidelines, 2015. Collection method: clinical testing. Allele origin: germline. Inheritance: Autosomal dominant inheritance. Observed: 3 variant alleles, 3 heterozygotes.
Comment: This missense variant replaces valine with alanine at codon 800 of the RYR2 protein. Computational prediction suggests that this variant may not impact protein structure and function (internally defined REVEL score threshold <= 0.5, PMID: 27666373). Splice site prediction tools suggest that this variant may not impact RNA splicing. To our knowledge, functional studies have not been performed for this variant. This variant has not been reported in individuals affected with cardiovascular disorders in the literature. This variant has been identified in 1/229038 chromosomes in the general population by the Genome Aggregation Database (gnomAD). The available evidence is insufficient to determine the role of this variant in disease conclusively. Therefore, this variant is classified as a Variant of Uncertain Significance.

This study involves interpretation of variants in research participants for the purpose of population health screening. Participant phenotype was not available at the time of variant classification. Additional details can be found in publication PMID: 35346344, PMCID: PMC8962531

Labcorp Genetics (formerly Invitae), Labcorp
Classification: Uncertain significance for Catecholaminergic polymorphic ventricular tachycardia 1. Last evaluated: 2022-12-17. Review status: criteria provided, single submitter. Criteria: Invitae Variant Classification Sherloc (09022015). Collection method: clinical testing. Allele origin: germline.
Comment: In summary, the available evidence is currently insufficient to determine the role of this variant in disease. Therefore, it has been classified as a Variant of Uncertain Significance. Algorithms developed to predict the effect of missense changes on protein structure and function are either unavailable or do not agree on the potential impact of this missense change (SIFT: "Deleterious"; PolyPhen-2: "Benign"; Align-GVGD: "Class C55"). ClinVar contains an entry for this variant (Variation ID: 201229). This variant has not been reported in the literature in individuals affected with RYR2-related conditions. This variant is present in population databases (rs794728730, gnomAD 0.001%). This sequence change replaces valine, which is neutral and non-polar, with alanine, which is neutral and non-polar, at codon 800 of the RYR2 protein (p.Val800Ala).

GeneDx
Classification: Uncertain significance. Last evaluated: 2014-05-08. Review status: criteria provided, single submitter. Criteria: GeneDx Variant Classification (06012015). Collection method: clinical testing. Allele origin: germline. Affected: yes.
Comment: p.Val800Ala (GTA>GCA): c.2399 T>C in exon 22 of the RYR2 gene (NM_001035.2). A variant of unknown significance has been identified in the RYR2 gene. The V800A variant has not been reported as a disease-causing mutation or as a benign polymorphism to our knowledge. Although V800A results in a conservative amino acid substitution of one non-polar amino acid with another, it occurs at a position that is conserved across species. The V800A variant was not observed in approximately 6,000 individuals of European and African American ancestry in the NHLBI Exome Sequencing Project, indicating it is not a common benign variant in these populations. Nevertheless, in silico analysis predicts this variant is benign to the protein structure/function. Furthermore, no disease-causing mutations have been reported in neighboring residues, indicating this region of the protein may be tolerant of change. Therefore, based on the currently available information, it is unclear whether this variant is a pathogenic mutation or a rare benign variant. Familial Long QT syndrome is primarily an autosomal dominant disease caused by mutation(s) in cardiac ion channel genes. Mutations in these genes tend to prolong the duration of the ventricular action potential, thus lengthening the QT interval seen on an ECG (Goldenberg I et al., 2008; Priori S et al., 2004). LQTS is associated with increased risk for syncope, ventricular arrhythmia and sudden cardiac death in young adults with normal heart structure (Vincent G, 1998). CPVT is primarily caused by autosomal dominant mutations in the RYR2 and KCNJ2 genes. Less commonly, CPVT is caused by autosomal recessive mutations in the CASQ2 gene (Napolitano C et al., 2012). Although rare, mutations in the ANK2 gene have been reported previously in association with LQTS (Mohler P et al., 2003). Approximately 50% of patients with autosomal dominant CPVT have been reported to have a mutation in the RYR2 gene, while mutations in the RYR2 gene associated with ARVC are rare (McNally E et al., 2009; Napolitano C et al., 2012). The variant is found in CPVT,POSTMORTEM panel(s).

Literature cited by the submitters: PubMed 28404607 (cited by Ambry Genetics).